The following is an entry in ClinVar:

ClinVar aggregate classification (germline): Likely benign. Review status: criteria provided, multiple submitters, no conflicts (2 of 4 stars). 2 submissions from 2 submitters: Likely benign (2). Last evaluated 2018-01-13.

Conditions:
Inflammatory bowel disease 25. Also called: Inflammatory bowel disease 25, early onset, autosomal recessive. Identifiers: Orphanet 238569, MedGen C2675508, MONDO:0012941, OMIM 612567.

Allele frequency attached by ClinVar (database versions not stated): 1000 Genomes Project 0.00260; 1000 Genomes Project 30x 0.00265; TOPMed 0.00329; gnomAD 0.00332 and 0.00364.
gnomAD v4.1: 8,162 of 1,501,168 alleles (0.54%); highest among the groups gnomAD compares: South Asian, 1.2%; 60 homozygotes.

Submissions (2):

Illumina Laboratory Services, Illumina
Classification: Likely benign for Inflammatory bowel disease 25. Last evaluated: 2018-01-13. Review status: criteria provided, single submitter. Criteria: ICSL Variant Classification Criteria 13 December 2019. Collection method: clinical testing. Allele origin: germline.
Comment: This variant was observed in the ICSL laboratory as part of a predisposition screen in an ostensibly healthy population. It had not been previously curated by ICSL or reported in the Human Gene Mutation Database (HGMD: prior to June 1st, 2018), and was therefore a candidate for classification through an automated scoring system. Utilizing variant allele frequency, disease prevalence and penetrance estimates, and inheritance mode, an automated score was calculated to assess if this variant is too frequent to cause the disease. Based on the score and internal cut-off values, a variant classified as likely benign is not then subjected to further curation. The score for this variant resulted in a classification of likely benign for this disease.

Breakthrough Genomics
Classification: Likely benign. Review status: criteria provided, single submitter. Criteria: ACMG Guidelines, 2015. Collection method: not provided. Allele origin: germline. Inheritance: Autosomal recessive inheritance. Affected: yes.

NM_000628.5(IL10RB):c.-72C>A

Genes: IL10RB (interleukin 10 receptor subunit beta; plus strand), IFNAR2-IL10RB (IFNAR2-IL10RB readthrough; plus strand), LOC130066558 (ATAC-STARR-seq lymphoblastoid silent region 13254; plus strand). Cytogenetic location: 21q22.11.
Variant type: single nucleotide variant.
Coding change: c.-72C>A on transcript NM_000628.5 (MANE Select); 72 bases upstream of the start codon, C replaced by A.
Molecular consequence: 5 prime UTR variant.
Genome position (GRCh38, 1-based): chr21:33,266,394, C>A. VCF-style: chr21-33266394-C-A. GRCh37 (hg19) VCF-style: chr21-34638699-C-A.
Identifiers: ClinVar variation 339690 (VCV000339690.6), dbSNP rs45607743, ClinGen allele CA10644538.
Genomic context (GRCh38, chr21:33,266,394, plus strand): 5'-GGTCGCCCGGCCCCTCCCCACCCCGCCCCGCCCATCTCCGCTGGTTCCCGGAAGCCGCCG[C>A]GGACAAGCTCTCCCGGGCGCGGGCGGGGGTCGTGTGCTTGGAGGAAGCCGCGGAACCCCC-3'